The following is an entry in ClinVar:

ClinVar aggregate classification (germline): Pathogenic (1 of 4 stars; one submission).

Conditions:
Kabuki syndrome 2 (KABUK2). Also called: KDM6A-Related Kabuki Syndrome. Identifiers: Orphanet 2322, MedGen C3275495, MONDO:0010465, OMIM 300867.

Submission:

Rady Children's Institute for Genomic Medicine, Rady Children's Hospital San Diego
Classification: Pathogenic for Kabuki syndrome 2. Last evaluated: 2024-11-26. Review status: criteria provided, single submitter. Criteria: ACMG Guidelines, 2015. Collection method: clinical testing. Allele origin: germline. Affected: yes.
Comment: This frameshifting variant in exon 20 of 30 is predicted to result in loss of normal protein function through either protein truncation or nonsense-mediated mRNA decay. Loss-of-function variation in KDM6A is an established mechanism of disease (PMID: 23076834, 22197486). This variant has been previously reported in the literature as a heterozygous change (PMID: 34645491). The c.3042del (p.Thr1015LeufsTer33) variant is absent from the latest version of the gnomAD population database and thus is presumed to be rare. Based on the available evidence, c.3042del (p.Thr1015LeufsTer33) is classified as Pathogenic.

Literature cited by the submitters: PubMed 23076834; PubMed 22197486; PubMed 34645491.

NM_001291415.2(KDM6A):c.3198del (p.Thr1067fs)

Gene: KDM6A (lysine demethylase 6A; plus strand). Cytogenetic location: Xp11.3.
Variant type: Deletion.
Coding change: c.3198del on transcript NM_001291415.2 (MANE Select); coding-DNA position 3198, one base deleted (C; older notation c.3198delC).
Protein change: p.Thr1067fs; shifts the reading frame from threonine 1067.
Molecular consequence: frameshift variant. On other transcripts: non-coding transcript variant (1).
Genome position (GRCh38, 1-based): chrX:45,079,249, C deleted; the last of 3 consecutive C bases (chrX:45,079,247-45,079,249); deleting any one gives the same sequence. VCF-style (leftmost placement, unchanged base first): chrX-45079246-TC-T. GRCh37 (hg19) VCF-style: chrX-44938491-TC-T.
Other names: c.3042delC (NM_021140.3); c.3063del, p.Thr1022fs (NM_001291416.2); c.2907del, p.Thr970fs (NM_001291417.2); c.2805del, p.Thr936fs (NM_001291418.2); c.2154del, p.Thr719fs (NM_001291421.2); c.3042del, p.Thr1015fs (NM_021140.4); c.3042del (NM_021140.3); short protein forms T1015fs, T1022fs, T1067fs, T719fs, T936fs, T970fs.
Identifiers: ClinVar variation 692059 (VCV000692059.2), dbSNP rs1602928108, ClinGen allele CA915950955.